The following is an entry in ClinVar:

ClinVar aggregate classification (germline): Likely benign (0 of 4 stars; one submission).

Conditions:
TSFM-related disorder. Also called: TSFM-related condition.

Allele frequency attached by ClinVar (database versions not stated): 1000 Genomes Project 0.00020; gnomAD 0.00003; gnomAD exomes 0.00010; TOPMed 0.00013; 1000 Genomes Project 30x 0.00016.
gnomAD v4.1: 58 of 719,744 alleles (0.0081%); highest among the groups gnomAD compares: Admixed American, 0.11%; no homozygotes.

Submission:

PreventionGenetics, part of Exact Sciences
Classification: Likely benign for TSFM-related condition. Last evaluated: 2019-06-06. Review status: no assertion criteria provided. Collection method: clinical testing. Allele origin: germline.
Comment: This variant is classified as likely benign based on ACMG/AMP sequence variant interpretation guidelines (Richards et al. 2015 PMID: 25741868, with internal and published modifications).

NM_001172697.2(TSFM):c.591A>T (p.Gly197=)

Genes: AVIL (advillin; minus strand), TSFM (Ts translation elongation factor, mitochondrial; plus strand). Cytogenetic location: 12q14.1.
Variant type: single nucleotide variant.
Coding change: c.591A>T on transcript NM_001172697.2; coding-DNA position 591, A replaced by T.
Protein change: p.Gly197=; no amino-acid change (glycine 197 retained).
Molecular consequence: synonymous variant. On other transcripts: intron variant (1).
Genome position (GRCh38, 1-based): chr12:57,802,574, A>T. VCF-style: chr12-57802574-A-T. GRCh37 (hg19) VCF-style: chr12-58196357-A-T.
Other names: c.1963-226T>A (NM_006576.4).
Identifiers: ClinVar variation 3034124 (VCV003034124.2), dbSNP rs186621675, ClinGen allele CA237840561.